The following is an entry in ClinVar:

ClinVar aggregate classification (germline): Likely benign. Review status: criteria provided, single submitter (1 of 4 stars). 2 submissions from 2 submitters: Likely benign (1). 1 of the submissions does not count toward it. Last evaluated 2025-05-29.

Conditions:
HECW2-related disorder. Also called: HECW2-related condition.
Inborn genetic diseases. Identifiers: MedGen C0950123, MeSH D030342.

gnomAD v4.1: 72 of 1,593,934 alleles (0.0045%); highest among the groups gnomAD compares: African/African-American, 0.048%; 1 homozygote.

Submissions (2):

Ambry Genetics
Classification: Likely benign for Inborn genetic diseases. Last evaluated: 2025-05-29. Review status: criteria provided, single submitter. Criteria: Ambry Variant Classification Scheme 2023. Collection method: clinical testing. Allele origin: germline.

PreventionGenetics, part of Exact Sciences
Classification: Likely benign for HECW2-related condition. Last evaluated: 2024-03-14. Review status: no assertion criteria provided. Collection method: clinical testing. Allele origin: germline. Not counted in ClinVar's aggregate classification.
Comment: This variant is classified as likely benign based on ACMG/AMP sequence variant interpretation guidelines (Richards et al. 2015 PMID: 25741868, with internal and published modifications).

NM_001348768.2(HECW2):c.1737C>T (p.Gly579=)

Gene: HECW2 (HECT, C2 and WW domain containing E3 ubiquitin protein ligase 2; minus strand). Cytogenetic location: 2q32.3.
Variant type: single nucleotide variant.
Coding change: c.1737C>T on transcript NM_001348768.2 (MANE Select); coding-DNA position 1737, C replaced by T.
Protein change: p.Gly579=; no amino-acid change (glycine 579 retained).
Molecular consequence: synonymous variant.
Genome position (GRCh38, 1-based): chr2:196,319,153, G>A on the plus strand (C>T on the coding strand, the complement: HECW2 is on the minus strand). VCF-style: chr2-196319153-G-A. GRCh37 (hg19) VCF-style: chr2-197183877-G-A.
Other names: c.669C>T, p.Gly223= (NM_001304840.3); c.1737C>T, p.Gly579= (NM_020760.4); c.1737C>T (NM_020760.1).
Identifiers: ClinVar variation 3352895 (VCV003352895.2).
Genomic context (GRCh38, chr2:196,319,153, plus strand): 5'-CTCGGTCTCACTGACGGCTCTTCGGCTTCCTCCTGATGCATCGGAAGTCCCTGTGTCTGC[G>A]CCACTTGTGGGCTGATCTACCTCTTGAGAGCCACACAGTTCAGCACTGCCCTGGTCAGCA-3'
Protein context (NP_001335697.1, residues 569-589): GSQEVDQPTS[Gly579=]ADTGTSDASG